The following is an entry in ClinVar:

NM_004456.5(EZH2):c.1682G>T (p.Arg561Leu)

Gene: EZH2 (enhancer of zeste 2 polycomb repressive complex 2 subunit; minus strand). Cytogenetic location: 7q36.1.
Variant type: single nucleotide variant.
Coding change: c.1682G>T on transcript NM_004456.5 (MANE Select); coding-DNA position 1682, G replaced by T.
Protein change: p.Arg561Leu; replaces arginine 561 with leucine.
Molecular consequence: missense variant.
Genome position (GRCh38, 1-based): chr7:148,814,128, C>A on the plus strand (G>T on the coding strand, the complement: EZH2 is on the minus strand). VCF-style: chr7-148814128-C-A. GRCh37 (hg19) VCF-style: chr7-148511220-C-A.
Other names: c.1667G>T, p.Arg556Leu (NM_001203247.2); c.1640G>T, p.Arg547Leu (NM_001203248.2); c.1514G>T, p.Arg505Leu (NM_001203249.2); c.1550G>T, p.Arg517Leu (NM_152998.3); short protein forms R547L, R561L, R517L, R505L, R556L.
Identifiers: ClinVar variation 663016 (VCV000663016.9), dbSNP rs1164610428, ClinGen allele CA369713627.

ClinVar aggregate classification (germline): Uncertain significance (1 of 4 stars; one submission).

Conditions:
Weaver syndrome (WVS). Also called: Weaver Smith syndrome; Overgrowth syndrome with accelerated skeletal maturation, unusual facies, and camptodactyly. Identifiers: Orphanet 3447, MedGen C0265210, MONDO:0010193, OMIM 277590.

Submission:

Labcorp Genetics (formerly Invitae), Labcorp
Classification: Uncertain significance for Weaver syndrome. Last evaluated: 2018-08-01. Review status: criteria provided, single submitter. Criteria: Invitae Variant Classification Sherloc (09022015). Collection method: clinical testing. Allele origin: germline.
Comment: This sequence change replaces arginine with leucine at codon 561 of the EZH2 protein (p.Arg561Leu). The arginine residue is highly conserved and there is a moderate physicochemical difference between arginine and leucine. This variant is not present in population databases (ExAC no frequency). This variant has not been reported in the literature in individuals with EZH2-related disease. Algorithms developed to predict the effect of missense changes on protein structure and function are either unavailable or do not agree on the potential impact of this missense change (SIFT: "Deleterious"; PolyPhen-2: "Probably Damaging"; Align-GVGD: "Class C0"). In summary, the available evidence is currently insufficient to determine the role of this variant in disease. Therefore, it has been classified as a Variant of Uncertain Significance.